The following is an entry in ClinVar:

NM_000059.4(BRCA2):c.1616G>T (p.Gly539Val)

Gene: BRCA2 (BRCA2 DNA repair associated; plus strand). Cytogenetic location: 13q13.1.
Variant type: single nucleotide variant.
Coding change: c.1616G>T on transcript NM_000059.4 (MANE Select); coding-DNA position 1616, G replaced by T.
Protein change: p.Gly539Val; replaces glycine 539 with valine.
Molecular consequence: missense variant.
Genome position (GRCh38, 1-based): chr13:32,333,094, G>T. VCF-style: chr13-32333094-G-T. GRCh37 (hg19) VCF-style: chr13-32907231-G-T.
Other names: short protein forms G539V.
Identifiers: ClinVar variation 438954 (VCV000438954.7), dbSNP rs1555281985, ClinGen allele CA387764890.

ClinVar aggregate classification (germline): Conflicting classifications of pathogenicity. Review status: criteria provided, conflicting classifications (1 of 4 stars). 3 submissions from 3 submitters: Uncertain significance (2); Likely benign (1). Last evaluated 2023-07-15.

Conditions:
Hereditary cancer-predisposing syndrome. Also called: Hereditary neoplastic syndrome; Hereditary Cancer Syndrome; Tumor predisposition; Neoplastic Syndromes, Hereditary. Identifiers: Orphanet 140162, MedGen C0027672, MeSH D009386, MONDO:0015356.
Hereditary breast ovarian cancer syndrome. Also called: Breast and ovarian cancer; Hereditary breast and ovarian cancer; BRCA1- and BRCA2-Associated Hereditary Breast and Ovarian Cancer; Hereditary breast and/or ovarian cancer syndrome; Hereditary breast and ovarian cancer syndrome; Hereditary breast and ovarian cancer syndrome (HBOC). Identifiers: Orphanet 145, MedGen C0677776, MeSH D061325, MONDO:0003582. Disease mechanism: loss of function.

Allele frequency attached by ClinVar (database versions not stated): gnomAD exomes below 0.00001.
gnomAD v4.1: 2 of 1,612,950 alleles (0.00012%); highest among the groups gnomAD compares: South Asian, 0.0022%; no homozygotes.

Submissions (3):

Labcorp Genetics (formerly Invitae), Labcorp
Classification: Uncertain significance for Hereditary breast ovarian cancer syndrome. Last evaluated: 2023-07-15. Review status: criteria provided, single submitter. Criteria: Invitae Variant Classification Sherloc (09022015). Collection method: clinical testing. Allele origin: germline.
Comment: In summary, the available evidence is currently insufficient to determine the role of this variant in disease. Therefore, it has been classified as a Variant of Uncertain Significance. Advanced modeling of protein sequence and biophysical properties (such as structural, functional, and spatial information, amino acid conservation, physicochemical variation, residue mobility, and thermodynamic stability) performed at Invitae indicates that this missense variant is not expected to disrupt BRCA2 protein function. ClinVar contains an entry for this variant (Variation ID: 438954). This variant has not been reported in the literature in individuals affected with BRCA2-related conditions. This variant is not present in population databases (gnomAD no frequency). This sequence change replaces glycine, which is neutral and non-polar, with valine, which is neutral and non-polar, at codon 539 of the BRCA2 protein (p.Gly539Val).

University of Washington Department of Laboratory Medicine, University of Washington
Classification: Likely benign for Hereditary cancer-predisposing syndrome. Last evaluated: 2023-03-23. Review status: criteria provided, single submitter. Criteria: Dines et al. (Genet Med. 2020). Collection method: curation. Allele origin: germline.
Comment: Missense variant in a coldspot region where missense variants are very unlikely to be pathogenic (PMID:31911673).

BRCA2 exon 10 coldspot. Reclassification based on statistical prior probability.

Quest Diagnostics Nichols Institute San Juan Capistrano
Classification: Uncertain significance. Last evaluated: 2017-04-03. Review status: criteria provided, single submitter. Criteria: Quest Diagnostics criteria. Collection method: clinical testing. Allele origin: germline.